The following is an entry in ClinVar:

NM_004698.4(PRPF3):c.1345C>G (p.Arg449Gly)

Gene: PRPF3 (pre-mRNA processing factor 3; plus strand). Cytogenetic location: 1q21.2.
Variant type: single nucleotide variant.
Coding change: c.1345C>G on transcript NM_004698.4 (MANE Select); coding-DNA position 1345, C replaced by G.
Protein change: p.Arg449Gly; replaces arginine 449 with glycine.
Molecular consequence: missense variant. On other transcripts: non-coding transcript variant (4).
Genome position (GRCh38, 1-based): chr1:150,343,371, C>G. VCF-style: chr1-150343371-C-G. GRCh37 (hg19) VCF-style: chr1-150315847-C-G.
Other names: c.940C>G, p.Arg314Gly (NM_001350529.1); short protein forms R449G, R314G.
Identifiers: ClinVar variation 866840 (VCV000866840.7), dbSNP rs1657981991, ClinGen allele CA342279767.

ClinVar aggregate classification (germline): Pathogenic/Likely pathogenic. Review status: criteria provided, multiple submitters, no conflicts (2 of 4 stars). 2 submissions from 2 submitters: Pathogenic (1); Likely pathogenic (1). Last evaluated 2022-09-22.

Conditions:
PRPF3-related disorder. Also called: PRPF3-related condition.

Submissions (2):

Labcorp Genetics (formerly Invitae), Labcorp
Classification: Pathogenic. Last evaluated: 2022-09-22. Review status: criteria provided, single submitter. Criteria: Invitae Variant Classification Sherloc (09022015). Collection method: clinical testing. Allele origin: germline.
Comment: This sequence change replaces arginine, which is basic and polar, with glycine, which is neutral and non-polar, at codon 449 of the PRPF3 protein (p.Arg449Gly). This variant is not present in population databases (gnomAD no frequency). This missense change has been observed in individual(s) with retinitis pigmentosa (PMID: 27886254). It has also been observed to segregate with disease in related individuals. ClinVar contains an entry for this variant (Variation ID: 866840). Advanced modeling of protein sequence and biophysical properties (such as structural, functional, and spatial information, amino acid conservation, physicochemical variation, residue mobility, and thermodynamic stability) performed at Invitae indicates that this missense variant is expected to disrupt PRPF3 protein function. Algorithms developed to predict the effect of sequence changes on RNA splicing suggest that this variant may disrupt the consensus splice site. For these reasons, this variant has been classified as Pathogenic.

Blueprint Genetics
Classification: Likely pathogenic for PRPF3-related disorders. Last evaluated: 2019-07-08. Review status: criteria provided, single submitter. Criteria: ACMG Guidelines, 2015. Collection method: clinical testing. Allele origin: germline. Affected: yes. Observed: 3 variant alleles.

Literature cited by the submitters: PubMed 27886254 (cited by Labcorp Genetics (formerly Invitae), Labcorp).